The following is an entry in ClinVar:

NM_207361.6(FREM2):c.9140C>A (p.Thr3047Asn)

Gene: FREM2 (FRAS1 related extracellular matrix 2; plus strand). Cytogenetic location: 13q13.3.
Variant type: single nucleotide variant.
Coding change: c.9140C>A on transcript NM_207361.6 (MANE Select); coding-DNA position 9140, C replaced by A.
Protein change: p.Thr3047Asn; replaces threonine 3047 with asparagine.
Molecular consequence: missense variant.
Genome position (GRCh38, 1-based): chr13:38,880,417, C>A. VCF-style: chr13-38880417-C-A. GRCh37 (hg19) VCF-style: chr13-39454554-C-A.
Other names: c.9140C>A (NM_207361.4); short protein forms T3047N.
Identifiers: ClinVar variation 2040874 (VCV002040874.3), dbSNP rs762219950, ClinGen allele CA6956319.

ClinVar aggregate classification (germline): Uncertain significance. Review status: criteria provided, multiple submitters, no conflicts (2 of 4 stars). 3 submissions from 3 submitters: Uncertain significance (3). Last evaluated 2024-10-08.

Conditions:
Inborn genetic diseases. Identifiers: MedGen C0950123, MeSH D030342.
Fraser syndrome 2 (FRASRS2). Identifiers: MedGen C4540036, MONDO:0054738, OMIM 617666.
Isolated cryptophthalmia. Also called: Cryptophthalmos, unilateral or bilateral, isolated; ANKYLOBLEPHARON, SIMPLE. Identifiers: Orphanet 91396, MedGen C1852453, MONDO:0007410, OMIM 123570.

Allele frequency attached by ClinVar (database versions not stated): gnomAD 0.00003; TOPMed 0.00007; ExAC 0.00015.
gnomAD v4.1: 53 of 1,613,954 alleles (0.0033%); highest among the groups gnomAD compares: Admixed American, 0.087%; no homozygotes.

Submissions (3):

Ambry Genetics
Classification: Uncertain significance for Inborn genetic diseases. Last evaluated: 2024-10-08. Review status: criteria provided, single submitter. Criteria: Ambry Variant Classification Scheme 2023. Collection method: clinical testing. Allele origin: germline.

Fulgent Genetics
Classification: Uncertain significance for Isolated cryptophthalmia; Fraser syndrome 2. Last evaluated: 2024-01-15. Review status: criteria provided, single submitter. Criteria: ACMG Guidelines, 2015. Collection method: clinical testing. Allele origin: germline.

Labcorp Genetics (formerly Invitae), Labcorp
Classification: Uncertain significance. Last evaluated: 2022-10-19. Review status: criteria provided, single submitter. Criteria: Invitae Variant Classification Sherloc (09022015). Collection method: clinical testing. Allele origin: germline.
Comment: This sequence change replaces threonine, which is neutral and polar, with asparagine, which is neutral and polar, at codon 3047 of the FREM2 protein (p.Thr3047Asn). This variant is present in population databases (rs762219950, gnomAD 0.1%). This variant has not been reported in the literature in individuals affected with FREM2-related conditions. Advanced modeling of protein sequence and biophysical properties (such as structural, functional, and spatial information, amino acid conservation, physicochemical variation, residue mobility, and thermodynamic stability) performed at Invitae indicates that this missense variant is not expected to disrupt FREM2 protein function. In summary, the available evidence is currently insufficient to determine the role of this variant in disease. Therefore, it has been classified as a Variant of Uncertain Significance.